The following is an entry in ClinVar:

NM_004304.5(ALK):c.2257C>G (p.Arg753Gly)

Gene: ALK (ALK receptor tyrosine kinase; minus strand). Cytogenetic location: 2p23.2.
Variant type: single nucleotide variant.
Coding change: c.2257C>G on transcript NM_004304.5 (MANE Select); coding-DNA position 2257, C replaced by G.
Protein change: p.Arg753Gly; replaces arginine 753 with glycine.
Molecular consequence: missense variant.
Genome position (GRCh38, 1-based): chr2:29,239,778, G>C on the plus strand (C>G on the coding strand, the complement: ALK is on the minus strand). VCF-style: chr2-29239778-G-C. GRCh37 (hg19) VCF-style: chr2-29462644-G-C.
Other names: c.2257C>G (NM_004304.4); short protein forms R753G.
Identifiers: ClinVar variation 1434180 (VCV001434180.9), dbSNP rs745499366, ClinGen allele CA346474609.

ClinVar aggregate classification (germline): Uncertain significance. Review status: criteria provided, multiple submitters, no conflicts (2 of 4 stars). 2 submissions from 2 submitters: Uncertain significance (2). Last evaluated 2024-08-06.

Conditions:
Neuroblastoma, susceptibility to, 3. Also called: ALK-Related Neuroblastic Tumor Susceptibility. Identifiers: Orphanet 635, MedGen C2751681, MONDO:0013083, OMIM 613014.
Hereditary cancer-predisposing syndrome. Also called: Neoplastic Syndromes, Hereditary; Hereditary Cancer Syndrome; Tumor predisposition; Hereditary neoplastic syndrome. Identifiers: Orphanet 140162, MedGen C0027672, MeSH D009386, MONDO:0015356.

gnomAD v4.1: 1 of 1,613,906 alleles (0.000062%); highest among the groups gnomAD compares: South Asian, 0.0011%; no homozygotes.

Submissions (2):

Labcorp Genetics (formerly Invitae), Labcorp
Classification: Uncertain significance for Neuroblastoma, susceptibility to, 3. Last evaluated: 2024-08-06. Review status: criteria provided, single submitter. Criteria: Invitae Variant Classification Sherloc (09022015). Collection method: clinical testing. Allele origin: germline.
Comment: This sequence change replaces arginine, which is basic and polar, with glycine, which is neutral and non-polar, at codon 753 of the ALK protein (p.Arg753Gly). This variant is present in population databases (no rsID available, gnomAD 0.003%). This variant has not been reported in the literature in individuals affected with ALK-related conditions. ClinVar contains an entry for this variant (Variation ID: 1434180). An algorithm developed to predict the effect of missense changes on protein structure and function (PolyPhen-2) suggests that this variant is likely to be disruptive. In summary, the available evidence is currently insufficient to determine the role of this variant in disease. Therefore, it has been classified as a Variant of Uncertain Significance.

Ambry Genetics
Classification: Uncertain significance for Hereditary cancer-predisposing syndrome. Last evaluated: 2023-04-13. Review status: criteria provided, single submitter. Criteria: Ambry Variant Classification Scheme 2023. Collection method: clinical testing. Allele origin: germline.
Comment: The p.R753G variant (also known as c.2257C>G), located in coding exon 13 of the ALK gene, results from a C to G substitution at nucleotide position 2257. The arginine at codon 753 is replaced by glycine, an amino acid with dissimilar properties. This amino acid position is conserved. In addition, the in silico prediction for this alteration is inconclusive. Since supporting evidence is limited at this time, the clinical significance of this alteration remains unclear.